The following is an entry in ClinVar:

NM_001040108.2(MLH3):c.3067A>G (p.Ser1023Gly)

Gene: MLH3 (mutL homolog 3; minus strand). Cytogenetic location: 14q24.3.
Variant type: single nucleotide variant.
Coding change: c.3067A>G on transcript NM_001040108.2 (MANE Select); coding-DNA position 3067, A replaced by G.
Protein change: p.Ser1023Gly; replaces serine 1023 with glycine.
Molecular consequence: missense variant.
Genome position (GRCh38, 1-based): chr14:75,046,589, T>C on the plus strand (A>G on the coding strand, the complement: MLH3 is on the minus strand). VCF-style: chr14-75046589-T-C. GRCh37 (hg19) VCF-style: chr14-75513292-T-C.
Other names: c.3067A>G, p.Ser1023Gly (NM_014381.3); short protein forms S1023G.
Identifiers: ClinVar variation 544277 (VCV000544277.11), dbSNP rs778414174, ClinGen allele CA7275596.
Genomic context (GRCh38, chr14:75,046,589, plus strand): 5'-CTGAACAACACGTGTTTGACTCTTCAGTTTCAGAACAAGCTCTTGCTTTAGATTCCTCAC[T>C]CTGAAAACAAATTCCATTTTGGTCACCTGTGGCATCTTCTACCGGATTCATTAACATTCC-3'
Protein context (NP_001035197.1, residues 1013-1033): TGDQNGICFQ[Ser1023Gly]EESKARACSE

ClinVar aggregate classification (germline): Uncertain significance. Review status: criteria provided, multiple submitters, no conflicts (2 of 4 stars). 2 submissions from 2 submitters: Uncertain significance (2). Last evaluated 2023-04-01.

Conditions:
Colorectal cancer, hereditary nonpolyposis, type 7. Identifiers: Orphanet 144, MedGen C1858380, MONDO:0013725, OMIM 614385.

Allele frequency attached by ClinVar (database versions not stated): ExAC 0.00001; gnomAD exomes 0.00001.
gnomAD v4.1: 3 of 1,614,208 alleles (0.00019%); highest among the groups gnomAD compares: Admixed American, 0.0017%; no homozygotes.

Submissions (2):

Ambry Genetics
Classification: Uncertain significance. Last evaluated: 2023-04-01. Review status: criteria provided, single submitter. Criteria: Ambry Variant Classification Scheme 2023. Collection method: clinical testing. Allele origin: germline.
Comment: The p.S1023G variant (also known as c.3067A>G), located in coding exon 1 of the MLH3 gene, results from an A to G substitution at nucleotide position 3067. The serine at codon 1023 is replaced by glycine, an amino acid with similar properties. This amino acid position is not well conserved in available vertebrate species. In addition, this alteration is predicted to be tolerated by in silico analysis. Since supporting evidence is limited at this time, the clinical significance of this alteration remains unclear.

Labcorp Genetics (formerly Invitae), Labcorp
Classification: Uncertain significance for Colorectal cancer, hereditary nonpolyposis, type 7. Last evaluated: 2022-04-24. Review status: criteria provided, single submitter. Criteria: Invitae Variant Classification Sherloc (09022015). Collection method: clinical testing. Allele origin: germline.
Comment: This variant is present in population databases (rs778414174, gnomAD 0.003%). In summary, the available evidence is currently insufficient to determine the role of this variant in disease. Therefore, it has been classified as a Variant of Uncertain Significance. Algorithms developed to predict the effect of sequence changes on RNA splicing suggest that this variant may create or strengthen a splice site. Algorithms developed to predict the effect of missense changes on protein structure and function output the following: SIFT: "Tolerated"; PolyPhen-2: "Benign"; Align-GVGD: "Class C0". The glycine amino acid residue is found in multiple mammalian species, which suggests that this missense change does not adversely affect protein function. ClinVar contains an entry for this variant (Variation ID: 544277). This variant has not been reported in the literature in individuals affected with MLH3-related conditions. This sequence change replaces serine, which is neutral and polar, with glycine, which is neutral and non-polar, at codon 1023 of the MLH3 protein (p.Ser1023Gly).